The following is an entry in ClinVar:

NM_000218.3(KCNQ1):c.468_469del (p.Phe157fs)

Gene: KCNQ1 (potassium voltage-gated channel subfamily Q member 1; plus strand). Cytogenetic location: 11p15.5.
Variant type: Microsatellite.
Coding change: c.468_469del on transcript NM_000218.3 (MANE Select); coding-DNA positions 468 to 469, 2 bases deleted (CT; older notation c.468_469delCT).
Protein change: p.Phe157fs; shifts the reading frame from phenylalanine 157.
Molecular consequence: frameshift variant.
Genome position (GRCh38, 1-based): chr11:2,528,009-2,528,010, CT deleted; deleting any 2 consecutive bases within chr11:2,528,005-2,528,010 gives the same sequence; the c. name uses the placement nearest the transcript's 3' end. VCF-style (leftmost placement, unchanged base first): chr11-2528004-ACT-A. GRCh37 (hg19) VCF-style: chr11-2549234-ACT-A.
Other names: c.464_465CT[2], p.Phe157Leufs (NM_001406836.1, NM_001406838.1); c.194_195CT[2], p.Phe67Leufs (NM_001406837.1); c.83_84CT[2], p.Phe30Leufs (NM_181798.2); c.468_469delCT (NM_000218.2); short protein forms F157fs, F30fs.
Identifiers: ClinVar variation 421737 (VCV000421737.11), dbSNP rs1064795333, ClinGen allele CA16619307.

ClinVar aggregate classification (germline): Pathogenic/Likely pathogenic. Review status: criteria provided, multiple submitters, no conflicts (2 of 4 stars). 3 submissions from 3 submitters: Pathogenic (2); Likely pathogenic (1). Last evaluated 2026-03-11.

Conditions:
Cardiovascular phenotype. Identifiers: MedGen CN230736.
Long QT syndrome (LQTS). Identifiers: MedGen C0023976, MeSH D008133, MONDO:0002442. Disease mechanism: loss of function. Inheritance: Various modes of inheritance.

Submissions (3):

Ambry Genetics
Classification: Pathogenic for Cardiovascular phenotype. Last evaluated: 2026-03-11. Review status: criteria provided, single submitter. Criteria: Ambry Variant Classification Scheme 2023. Collection method: clinical testing. Allele origin: germline.
Comment: The c.468_469delCT (p.F157Lfs*127) alteration, located in exon 2 (coding exon 2) of the KCNQ1 gene, consists of a deletion of 2 nucleotides from position 468 to 469, causing a translational frameshift with a predicted alternate stop codon after 127 amino acids. This variant is expected to result in loss of function by premature protein truncation or nonsense-mediated mRNA decay. for autosomal dominant KCNQ1-related long QT syndrome and autosomal recessive KCNQ1-related Jervell and Lange-Nielsen syndrome; however, its clinical significance for autosomal dominant KCNQ1-related short QT syndrome is uncertain This variant was not reported in population-based cohorts in the Genome Aggregation Database (gnomAD). This variant was reported in individual(s) with features consistent with KCNQ1-related long QT syndrome (Westphal, 2020). Based on the available evidence, this alteration is classified as pathogenic.

Labcorp Genetics (formerly Invitae), Labcorp
Classification: Pathogenic for Long QT syndrome. Last evaluated: 2025-03-03. Review status: criteria provided, single submitter. Criteria: Invitae Variant Classification Sherloc (09022015). Collection method: clinical testing. Allele origin: germline.
Comment: This sequence change creates a premature translational stop signal (p.Phe157Leufs*127) in the KCNQ1 gene. It is expected to result in an absent or disrupted protein product. Loss-of-function variants in KCNQ1 are known to be pathogenic (PMID: 9323054, 19862833). This variant is not present in population databases (gnomAD no frequency). This variant has not been reported in the literature in individuals affected with KCNQ1-related conditions. For these reasons, this variant has been classified as Pathogenic.

GeneDx
Classification: Likely pathogenic. Last evaluated: 2017-04-12. Review status: criteria provided, single submitter. Criteria: GeneDx Variant Classification (06012015). Collection method: clinical testing. Allele origin: germline. Affected: yes.
Comment: Although the c.468_469delCT likely pathogenic variant in the KCNQ1 gene has not been reported to our knowledge, this variant causes a shift in reading frame starting at codon Phenylalanine 157, changing it to a Leucine, and creating a premature stop codon at position 127 of the new reading frame, denoted p.Phe157LeufsX127. This likely pathogenic variant is expected to result in either an abnormal, truncated protein product or loss of protein from this allele through nonsense-mediated mRNA decay. Other frameshift variants in the KCNQ1 gene have been reported in HGMD in association with LQTS (Stenson et al., 2014). Furthermore, the c.468_469delCT variant was not observed in approximately 6,500 individuals of European and African American ancestry in the NHLBI Exome Sequencing Project, indicating it is not a common benign variant in these populations.In summary, c.468_469delCT in the KCNQ1 gene is expected to be pathogenic, as loss of function variants in this gene are strongly associated with this phenotype.

Literature cited by the submitters: PubMed 32383558 (cited by Ambry Genetics); PubMed 9323054 (cited by Labcorp Genetics (formerly Invitae), Labcorp); PubMed 19862833 (cited by Labcorp Genetics (formerly Invitae), Labcorp).